The following is an entry in ClinVar:

NM_000551.4(VHL):c.454A>C (p.Thr152Pro)

Genes: VHL (von Hippel-Lindau tumor suppressor; plus strand), LOC107303340 (3p25 von Hippel-Lindau tumor suppressor, E3 ubiquitin protein ligase Alu-mediated recombination region; plus strand). Cytogenetic location: 3p25.3.
Variant type: single nucleotide variant.
Coding change: c.454A>C on transcript NM_000551.4 (MANE Select); coding-DNA position 454, A replaced by C.
Protein change: p.Thr152Pro; replaces threonine 152 with proline.
Molecular consequence: missense variant. On other transcripts: intron variant (2).
Genome position (GRCh38, 1-based): chr3:10,146,627, A>C. VCF-style: chr3-10146627-A-C. GRCh37 (hg19) VCF-style: chr3-10188311-A-C.
Other names: c.*18-3160A>C (NM_001354723.2); c.341-3160A>C (NM_198156.3); short protein forms T152P.
Identifiers: ClinVar variation 928821 (VCV000928821.1), dbSNP rs1696267007, ClinGen allele CA351754375.

ClinVar aggregate classification (germline): Uncertain significance (1 of 4 stars; one submission).

Submission:

Women's Health and Genetics/Laboratory Corporation of America, LabCorp
Classification: Uncertain significance. Last evaluated: 2019-09-05. Review status: criteria provided, single submitter. Criteria: LabCorp Variant Classification Summary - May 2015. Collection method: clinical testing. Allele origin: germline.
Comment: Variant summary: VHL c.454A>C (p.Thr152Pro) results in a non-conservative amino acid change located in the von Hippel-Lindau disease tumor suppressor, alpha domain (IPR024048) of the encoded protein sequence. Five of five in-silico tools predict a damaging effect of the variant on protein function. The variant was absent in 251496 control chromosomes (gnomAD). The available data on variant occurrences in the general population are insufficient to allow any conclusion about variant significance. The variant, c.454A>C, has been reported in the literature as a de novo variant in an individual affected with Von Hippel-Lindau Syndrome (Gijtenbeek_2005, Hes_2007). These data do not allow unequivocal conclusions about variant significance. To our knowledge, no experimental evidence demonstrating an impact on protein function has been reported. Several missense variants affecting nearby residues (e.g. p.A149T, p.I151N, p.I151S, p.P154L, p.V155E) were reported in affected individuals (HGMD), suggesting the functional importance for the affected protein region. No clinical diagnostic laboratories have submitted clinical-significance assessments for this variant to ClinVar after 2014. Based on the evidence outlined above, the variant was classified as VUS-possibly pathogenic.

Literature cited by the submitters: PubMed 17661816; PubMed 19408298; PubMed 16187023; PubMed 27179072.